The following is an entry in ClinVar:

ClinVar aggregate classification (germline): Uncertain significance (1 of 4 stars; one submission).

Submission:

Labcorp Genetics (formerly Invitae), Labcorp
Classification: Uncertain significance. Last evaluated: 2025-04-19. Review status: criteria provided, single submitter. Criteria: Invitae Variant Classification Sherloc (09022015). Collection method: clinical testing. Allele origin: germline.
Comment: This variant, c.4395_4397del, results in the deletion of 1 amino acid(s) of the LRP5 protein (p.Gly1466del), but otherwise preserves the integrity of the reading frame. This variant is not present in population databases (gnomAD no frequency). This variant has not been reported in the literature in individuals affected with LRP5-related conditions. ClinVar contains an entry for this variant (Variation ID: 2169311). Experimental studies and prediction algorithms are not available or were not evaluated, and the functional significance of this variant is currently unknown. In summary, the available evidence is currently insufficient to determine the role of this variant in disease. Therefore, it has been classified as a Variant of Uncertain Significance.

NM_002335.4(LRP5):c.4395_4397del (p.Gly1466del)

Gene: LRP5 (LDL receptor related protein 5; plus strand). Cytogenetic location: 11q13.2.
Variant type: Deletion.
Coding change: c.4395_4397del on transcript NM_002335.4 (MANE Select); coding-DNA positions 4395 to 4397, 3 bases deleted (GGG; older notation c.4395_4397delGGG).
Protein change: p.Gly1466del; deletes glycine 1466.
Molecular consequence: inframe deletion.
Genome position (GRCh38, 1-based): chr11:68,439,823-68,439,825, GGG deleted; deleting any 3 consecutive bases within chr11:68,439,820-68,439,825 gives the same sequence; the c. name uses the placement nearest the transcript's 3' end. VCF-style (leftmost placement, unchanged base first): chr11-68439819-TGGG-T. GRCh37 (hg19) VCF-style: chr11-68207287-TGGG-T.
Other names: c.2652_2654del, p.Gly885del (NM_001291902.2); short protein forms G1466del, G885del.
Identifiers: ClinVar variation 2169311 (VCV002169311.4), dbSNP rs2098677149, ClinGen allele CA939151308.